The following is an entry in ClinVar:

ClinVar aggregate classification (germline): Uncertain significance (1 of 4 stars; one submission).

Conditions:
Dyskeratosis congenita. Identifiers: Orphanet 1775, MedGen C0265965, MONDO:0015780.

Allele frequency attached by ClinVar (database versions not stated): gnomAD exomes below 0.00001.

Submission:

Labcorp Genetics (formerly Invitae), Labcorp
Classification: Uncertain significance for Dyskeratosis congenita. Last evaluated: 2021-08-20. Review status: criteria provided, single submitter. Criteria: Invitae Variant Classification Sherloc (09022015). Collection method: clinical testing. Allele origin: germline.
Comment: This sequence change replaces proline with serine at codon 92 of the TINF2 protein (p.Pro92Ser). The proline residue is moderately conserved and there is a moderate physicochemical difference between proline and serine. This variant is not present in population databases (ExAC no frequency). This variant has not been reported in the literature in individuals affected with TINF2-related conditions. Algorithms developed to predict the effect of missense changes on protein structure and function are either unavailable or do not agree on the potential impact of this missense change (SIFT: "Tolerated"; PolyPhen-2: "Possibly Damaging"; Align-GVGD: "Class C0"). In summary, the available evidence is currently insufficient to determine the role of this variant in disease. Therefore, it has been classified as a Variant of Uncertain Significance.

NM_001099274.3(TINF2):c.274C>T (p.Pro92Ser)

Gene: TINF2 (TERF1 interacting nuclear factor 2; minus strand). Cytogenetic location: 14q12.
Variant type: single nucleotide variant.
Coding change: c.274C>T on transcript NM_001099274.3 (MANE Select); coding-DNA position 274, C replaced by T.
Protein change: p.Pro92Ser; replaces proline 92 with serine.
Molecular consequence: missense variant. On other transcripts: intron variant (1).
Genome position (GRCh38, 1-based): chr14:24,241,913, G>A on the plus strand (C>T on the coding strand, the complement: TINF2 is on the minus strand). VCF-style: chr14-24241913-G-A. GRCh37 (hg19) VCF-style: chr14-24711119-G-A.
Other names: c.274C>T, p.Pro92Ser (NM_012461.3); c.193-137C>T (NM_001363668.2); short protein forms P92S.
Identifiers: ClinVar variation 1018435 (VCV001018435.2), dbSNP rs2040588888, ClinGen allele CA389233821.
Genomic context (GRCh38, chr14:24,241,913, plus strand): 5'-GTAACTGGGGTCAGGGCTTGTTCCGGGGATTACTCACAGCCTTGGGATCCCGCACTATAG[G>A]TCCAGATTCTGGAAAGTGGTGATTCAGGGCTTTCAGGACTTGGGCCCAAGGCCGGCCCTG-3'
Protein context (NP_001092744.1, residues 82-102): ALNHHFPESG[Pro92Ser]IVRDPKATKQ